The following is an entry in ClinVar:

NM_019066.5(MAGEL2):c.205C>A (p.Gln69Lys)

Gene: MAGEL2 (MAGE family member L2; minus strand). Cytogenetic location: 15q11.2.
Variant type: single nucleotide variant.
Coding change: c.205C>A on transcript NM_019066.5 (MANE Select); coding-DNA position 205, C replaced by A.
Protein change: p.Gln69Lys; replaces glutamine 69 with lysine.
Molecular consequence: missense variant.
Genome position (GRCh38, 1-based): chr15:23,647,538, G>T on the plus strand (C>A on the coding strand, the complement: MAGEL2 is on the minus strand). VCF-style: chr15-23647538-G-T. GRCh37 (hg19) VCF-style: chr15-23892685-G-T.
Other names: short protein forms Q69K.
Identifiers: ClinVar variation 4999245 (VCV004999245.1).

ClinVar aggregate classification (germline): Uncertain significance (1 of 4 stars; one submission).

Conditions:
MAGEL2-related disorder. Also called: MAGEL2-related condition.

gnomAD v4.1: 4 of 1,533,040 alleles (0.00026%); highest among the groups gnomAD compares: African/African-American, 0.0055%; no homozygotes.

Submission:

PreventionGenetics, part of Exact Sciences
Classification: Uncertain significance for MAGEL2-related condition. Last evaluated: 2025-10-20. Review status: criteria provided, single submitter. Criteria: ACMG Guidelines, 2015. Collection method: clinical testing. Allele origin: germline.
Comment: The MAGEL2 c.205C>A variant is predicted to result in the amino acid substitution p.Gln69Lys. To our knowledge, this variant has not been reported in the literature. This variant is reported in 0.0% of alleles in individuals of African descent in gnomAD. At this time, the clinical significance of this variant is uncertain due to the absence of conclusive functional and genetic evidence.